The following is an entry in ClinVar:

NM_018677.4(ACSS2):c.458G>A (p.Arg153Gln)

Gene: ACSS2 (acyl-CoA synthetase short chain family member 2; plus strand). Cytogenetic location: 20q11.22.
Variant type: single nucleotide variant.
Coding change: c.458G>A on transcript NM_018677.4 (MANE Select); coding-DNA position 458, G replaced by A.
Protein change: p.Arg153Gln; replaces arginine 153 with glutamine.
Molecular consequence: missense variant.
Genome position (GRCh38, 1-based): chr20:34,913,179, G>A. VCF-style: chr20-34913179-G-A. GRCh37 (hg19) VCF-style: chr20-33500982-G-A.
Other names: c.458G>A, p.Arg153Gln (NM_001076552.3); c.173G>A, p.Arg58Gln (NM_001242393.2); short protein forms R153Q, R58Q.
Identifiers: ClinVar variation 3355389 (VCV003355389.1).
Genomic context (GRCh38, chr20:34,913,179, plus strand): 5'-CCACTCAGATCACATACCATCAGCTTCTGGTCCAAGTGTGTCAGTTCAGCAATGTTCTCC[G>A]AAAACAGGGTGAGTGTGGGGGTGTGGGAAAGGACTGGGGGTCTGGCCTTGGGGTATCTGA-3'
Protein context (NP_061147.1, residues 143-163): VQVCQFSNVL[Arg153Gln]KQGIQKGDRV

ClinVar aggregate classification (germline): Uncertain significance (0 of 4 stars; one submission).

Conditions:
ACSS2-related disorder. Also called: ACSS2-related condition.

gnomAD v4.1: 108 of 1,613,972 alleles (0.0067%); highest among the groups gnomAD compares: Middle Eastern, 0.016%; no homozygotes.

Submission:

PreventionGenetics, part of Exact Sciences
Classification: Uncertain significance for ACSS2-related condition. Last evaluated: 2024-03-23. Review status: no assertion criteria provided. Collection method: clinical testing. Allele origin: germline.
Comment: The ACSS2 c.458G>A variant is predicted to result in the amino acid substitution p.Arg153Gln. To our knowledge, this variant has not been reported in the literature. This variant is reported in 0.013% of alleles in individuals of European (Non-Finnish) descent in gnomAD. At this time, the clinical significance of this variant is uncertain due to the absence of conclusive functional and genetic evidence.